The following is an entry in ClinVar:

ClinVar aggregate classification (germline): Pathogenic (1 of 4 stars; one submission).

Submission:

GeneDx
Classification: Pathogenic. Last evaluated: 2024-12-09. Review status: criteria provided, single submitter. Criteria: GeneDx Variant Classification Process June 2021. Collection method: clinical testing. Allele origin: germline. Affected: yes.
Comment: Nonsense variant predicted to result in protein truncation or nonsense mediated decay in a gene for which loss of function is a known mechanism of disease; Not observed at significant frequency in large population cohorts (gnomAD); Has not been previously published as pathogenic or benign to our knowledge

NM_138376.3(TTC5):c.496C>T (p.Arg166Ter)

Gene: TTC5 (tetratricopeptide repeat domain 5; minus strand). Cytogenetic location: 14q11.2.
Variant type: single nucleotide variant.
Coding change: c.496C>T on transcript NM_138376.3 (MANE Select); coding-DNA position 496, C replaced by T.
Protein change: p.Arg166Ter; replaces arginine 166 with a stop codon.
Molecular consequence: nonsense.
Genome position (GRCh38, 1-based): chr14:20,299,349, G>A on the plus strand (C>T on the coding strand, the complement: TTC5 is on the minus strand). VCF-style: chr14-20299349-G-A. GRCh37 (hg19) VCF-style: chr14-20767508-G-A.
Other names: short protein forms R166*.
Identifiers: ClinVar variation 3901552 (VCV003901552.1).